The following is an entry in ClinVar:

ClinVar aggregate classification (germline): Benign/Likely benign. Review status: criteria provided, multiple submitters, no conflicts (2 of 4 stars). 4 submissions from 4 submitters: Benign (1); Likely benign (3). Last evaluated 2026-08-01.

Conditions:
Intellectual disability-microcephaly-strabismus-behavioral abnormalities syndrome. Also called: White-Sutton Syndrome. Identifiers: Orphanet 468678, MedGen C4225351, MONDO:0014606, OMIM 616364.
Inborn genetic diseases. Identifiers: MedGen C0950123, MeSH D030342.

Allele frequency attached by ClinVar (database versions not stated): gnomAD 0.00001; gnomAD exomes 0.00004 and 0.00019; TOPMed 0.00007; ExAC 0.00009.
gnomAD v4.1: 60 of 1,607,936 alleles (0.0037%); highest among the groups gnomAD compares: Admixed American, 0.095%; no homozygotes.

Submissions (4):

CeGaT Center for Human Genetics Tuebingen
Classification: Likely benign. Last evaluated: 2026-08-01. Review status: criteria provided, single submitter. Criteria: CeGaT Center For Human Genetics Tuebingen Variant Classification Criteria Version 2. Collection method: clinical testing. Allele origin: germline. Affected: yes. Observed: 1 variant allele.
Comment: POGZ: BP4

Genome-Nilou Lab
Classification: Likely benign for Intellectual disability-microcephaly-strabismus-behavioral abnormalities syndrome. Last evaluated: 2023-04-11. Review status: criteria provided, single submitter. Criteria: ACMG Guidelines, 2015. Collection method: clinical testing. Allele origin: germline. Affected: no.

GeneDx
Classification: Benign. Last evaluated: 2020-11-18. Review status: criteria provided, single submitter. Criteria: GeneDx Variant Classification Process June 2021. Collection method: clinical testing. Allele origin: germline. Affected: yes.

Ambry Genetics
Classification: Likely benign for Inborn genetic diseases. Last evaluated: 2017-10-21. Review status: criteria provided, single submitter. Criteria: Ambry Variant Classification Scheme 2023. Collection method: clinical testing. Allele origin: germline.

NM_015100.4(POGZ):c.2433-3T>C

Gene: POGZ (pogo transposable element derived with ZNF domain; minus strand). Cytogenetic location: 1q21.3.
Variant type: single nucleotide variant.
Coding change: c.2433-3T>C on transcript NM_015100.4 (MANE Select); 3 bases into the intron before coding-DNA position 2433, T replaced by C.
Molecular consequence: intron variant.
Genome position (GRCh38, 1-based): chr1:151,407,026, A>G on the plus strand (T>C on the coding strand, the complement: POGZ is on the minus strand). VCF-style: chr1-151407026-A-G. GRCh37 (hg19) VCF-style: chr1-151379502-A-G.
Other names: c.2247-3T>C (NM_001194938.2); c.2148-3T>C (NM_145796.4); c.2406-3T>C (NM_001194937.2); c.2274-3T>C (NM_207171.2).
Identifiers: ClinVar variation 1182731 (VCV001182731.6), dbSNP rs745815582, ClinGen allele CA1091167.
Genomic context (GRCh38, chr1:151,407,026, plus strand): 5'-CATAGCATCGCCCACAGAGGTAACAAAGGTACATGAAGTGCAGGCCAGCTTGATTCCACT[A>G]AAAAAGAGAATTGAGACTATGTAAGACAAACACAGCAGTGACACTTGAGACCATTAAGCT-3'